The following is an entry in ClinVar:

NM_001077525.3(MTMR14):c.85C>G (p.Leu29Val)

Gene: MTMR14 (myotubularin related protein 14; plus strand). Cytogenetic location: 3p25.3.
Variant type: single nucleotide variant.
Coding change: c.85C>G on transcript NM_001077525.3 (MANE Select); coding-DNA position 85, C replaced by G.
Protein change: p.Leu29Val; replaces leucine 29 with valine.
Molecular consequence: missense variant. On other transcripts: 5 prime UTR variant (23), non-coding transcript variant (9).
Genome position (GRCh38, 1-based): chr3:9,649,668, C>G. VCF-style: chr3-9649668-C-G. GRCh37 (hg19) VCF-style: chr3-9691352-C-G.
Other names: c.85C>G, p.Leu29Val (NM_001077526.3, NM_001400519.1, NM_001400520.1 and 9 more transcripts); c.-49C>G (NM_001400518.1, NM_001400521.1, NM_001400525.1 and 4 more transcripts); c.-421C>G (NM_001400533.1, NM_001400539.1, NM_001400545.1); c.-482C>G (NM_001400534.1, NM_001400538.1, NM_001400541.1 and 2 more transcripts); c.-272C>G (NM_001400535.1); c.-449C>G (NM_001400540.1); c.-684C>G (NM_001400542.1); c.-243C>G (NM_001400543.1); and 4 more; short protein forms L29V.
Identifiers: ClinVar variation 3233708 (VCV003233708.2), dbSNP rs761803321, ClinGen allele CA2240137.

ClinVar aggregate classification (germline): Uncertain significance (1 of 4 stars; one submission).

Allele frequency attached by ClinVar (database versions not stated): ExAC 0.00002.

Submission:

Women's Health and Genetics/Laboratory Corporation of America, LabCorp
Classification: Uncertain significance. Last evaluated: 2024-03-01. Review status: criteria provided, single submitter. Criteria: LabCorp Variant Classification Summary - May 2015. Collection method: clinical testing. Allele origin: germline.
Comment: Variant summary: MTMR14 c.85C>G (p.Leu29Val) results in a conservative amino acid change in the encoded protein sequence. Four of five in-silico tools predict a benign effect of the variant on protein function. The variant was absent in 223200 control chromosomes (gnomAD). The available data on variant occurrences in the general population are insufficient to allow any conclusion about variant significance. To our knowledge, no occurrence of c.85C>G in individuals affected with Autosomal Dominant Centronuclear Myopathy and no experimental evidence demonstrating its impact on protein function have been reported. No submitters have cited clinical-significance assessments for this variant to ClinVar. Based on the evidence outlined above, the variant was classified as uncertain significance.